The following is an entry in ClinVar:

ClinVar aggregate classification (germline): Pathogenic. Review status: criteria provided, single submitter (1 of 4 stars). 2 submissions from 2 submitters: Pathogenic (1). 1 of the submissions does not count toward it. Last evaluated 2026-06-23.

Conditions:
Variegate porphyria (VP). Also called: PORPHYRIA, SOUTH AFRICAN TYPE; PROTOPORPHYRINOGEN OXIDASE DEFICIENCY; PPOX DEFICIENCY. Identifiers: Orphanet 79473, MedGen C0162532, MONDO:0008297, OMIM 176200.

Allele frequency attached by ClinVar (database versions not stated): gnomAD exomes below 0.00001.

Submissions (2):

Victorian Clinical Genetics Services, Murdoch Childrens Research Institute
Classification: Pathogenic for Variegate porphyria. Last evaluated: 2026-06-23. Review status: criteria provided, single submitter. Criteria: ACMG Guidelines, 2015. Collection method: clinical testing. Allele origin: germline.
Comment: This variant is classified as Pathogenic. Evidence in support of pathogenic classification: Variant is predicted to cause nonsense-mediated decay (NMD) and loss of protein (premature termination codon is located at least 54 nucleotides upstream of the final exon-exon junction); Variant is present in gnomAD <0.01 (v4: 4 heterozygote(s), 0 homozygote(s)); This variant has limited previous evidence of pathogenicity in unrelated individual(s). This variant has been reported in a multigenerational family with multiple heterozygotes. Three heterozygous individuals were symptomatic, while others showed only biochemical evidence of variegate porphyria (PMID: 9829909). This variant has also been reported in a cohort of families with variegate porphyria (PMID: 10486317); Other NMD-predicted variant(s) comparable to the one identified in this case have very strong previous evidence for pathogenicity (DECIPHER). Additional information: This variant is heterozygous; This gene is associated with both recessive and dominant disease. Biallelic variants cause severe, childhood-onset variegate porphyria (MIM#620483), whereas monoallelic variants result in adult onset variegate porphyria (MIM#176200) with variable penetrance (PMIDs: 23409300, 33159949); Loss of function is a known mechanism of disease in this gene and is associated with variegate porphyria (MIM#176200) and variegate porphyria, childhood-onset (MIM#620483); The condition associated with this gene has incomplete penetrance (PMIDs: 21910705, 23409300); Variants in this gene are known to have variable expressivity. In dominant disease, symptoms are more common in women. Acute manifestations are highly variable and can become chronic (PMID: 23409300).

OMIM
Classification: Pathogenic for VARIEGATE PORPHYRIA. Last evaluated: 1998-01-01. Review status: no assertion criteria provided. Collection method: literature only. Allele origin: germline. Not counted in ClinVar's aggregate classification.

Literature cited by the submitters: PubMed 33159949 (cited by Victorian Clinical Genetics Services, Murdoch Childrens Research Institute); PubMed 21910705 (cited by Victorian Clinical Genetics Services, Murdoch Childrens Research Institute); PubMed 10486317 (cited by Victorian Clinical Genetics Services, Murdoch Childrens Research Institute); PubMed 9829909 (cited by Victorian Clinical Genetics Services, Murdoch Childrens Research Institute and OMIM); PubMed 23409300 (cited by Victorian Clinical Genetics Services, Murdoch Childrens Research Institute).

NM_001122764.3(PPOX):c.538_539del (p.Ile180fs)

Gene: PPOX (protoporphyrinogen oxidase; plus strand). Cytogenetic location: 1q23.3.
Variant type: Deletion.
Coding change: c.538_539del on transcript NM_001122764.3 (MANE Select); coding-DNA positions 538 to 539, 2 bases deleted (AT; older notation c.538_539delAT).
Protein change: p.Ile180fs; shifts the reading frame from isoleucine 180.
Molecular consequence: frameshift variant.
Genome position (GRCh38, 1-based): chr1:161,168,498-161,168,499, AT deleted. VCF-style (leftmost placement, unchanged base first): chr1-161168497-CAT-C. GRCh37 (hg19) VCF-style: chr1-161138287-CAT-C.
Other names: c.538_539del, p.Ile180fs (NM_000309.5, NM_001365398.1, NM_001365399.1); c.439_440del, p.Ile147fs (NM_001350128.2); c.130_131del, p.Ile44fs (NM_001350129.2, NM_001365400.1); c.52_53del, p.Ile18fs (NM_001350130.2, NM_001350131.2, NM_001365401.1); short protein forms I44fs, I180fs, I18fs, I147fs.
Identifiers: ClinVar variation 8699 (VCV000008699.6), dbSNP rs1571357779, ClinGen allele CA913187348.